The following is an entry in ClinVar:

ClinVar aggregate classification (germline): Uncertain significance. Review status: criteria provided, multiple submitters, no conflicts (2 of 4 stars). 3 submissions from 3 submitters: Uncertain significance (3). Last evaluated 2025-08-27.

Conditions:
Hereditary cancer-predisposing syndrome. Also called: Tumor predisposition; Hereditary neoplastic syndrome; Neoplastic Syndromes, Hereditary; Hereditary Cancer Syndrome. Identifiers: Orphanet 140162, MedGen C0027672, MeSH D009386, MONDO:0015356.
Familial adenomatous polyposis 2. Also called: MUTYH Polyposis; COLORECTAL ADENOMATOUS POLYPOSIS, AUTOSOMAL RECESSIVE; ADENOMAS, MULTIPLE COLORECTAL, AUTOSOMAL RECESSIVE; MUTYH-associated polyposis; MUTYH-related attenuated familial adenomatous polyposis; Adenomas, multiple colorectal. Identifiers: Orphanet 220460, Orphanet 247798, MedGen C3272841, MONDO:0012041, OMIM 608456.

Submissions (3):

Ambry Genetics
Classification: Uncertain significance for Hereditary cancer-predisposing syndrome. Last evaluated: 2025-08-27. Review status: criteria provided, single submitter. Criteria: Ambry Variant Classification Scheme 2023. Collection method: clinical testing. Allele origin: germline.
Comment: The p.E206G variant (also known as c.617A>G), located in coding exon 8 of the MUTYH gene, results from an A to G substitution at nucleotide position 617. The glutamic acid at codon 206 is replaced by glycine, an amino acid with similar properties. This amino acid position is conserved. In addition, the in silico prediction for this alteration is inconclusive. Based on the available evidence, the clinical significance of this variant remains unclear.

Color Diagnostics, LLC DBA Color Health
Classification: Uncertain significance for Hereditary cancer-predisposing syndrome. Last evaluated: 2023-12-04. Review status: criteria provided, single submitter. Criteria: ACMG Guidelines, 2015. Collection method: clinical testing. Allele origin: germline.
Comment: This missense variant replaces glutamic acid with glycine at codon 206 of the MUTYH protein. Computational prediction is inconclusive regarding the impact of this variant on protein structure and function (internally defined REVEL score threshold 0.5 < inconclusive < 0.7, PMID: 27666373). To our knowledge, functional studies have not been reported for this variant. This variant has not been reported in individuals affected with MUTYH-related disorders in the literature. This variant has not been identified in the general population by the Genome Aggregation Database (gnomAD). The available evidence is insufficient to determine the role of this variant in disease conclusively. Therefore, this variant is classified as a Variant of Uncertain Significance.

Labcorp Genetics (formerly Invitae), Labcorp
Classification: Uncertain significance for Familial adenomatous polyposis 2. Last evaluated: 2017-11-06. Review status: criteria provided, single submitter. Criteria: Invitae Variant Classification Sherloc (09022015). Collection method: clinical testing. Allele origin: germline.
Comment: This variant is not present in population databases (ExAC no frequency). Algorithms developed to predict the effect of missense changes on protein structure and function do not agree on the potential impact of this missense change (SIFT: "Deleterious"; PolyPhen-2: "Benign"; Align-GVGD: "Class C0"). This variant has not been reported in the literature in individuals with MUTYH-related disease. This sequence change replaces glutamic acid with glycine at codon 206 of the MUTYH protein (p.Glu206Gly). The glutamic acid residue is highly conserved and there is a moderate physicochemical difference between glutamic acid and glycine. In summary, the available evidence is currently insufficient to determine the role of this variant in disease. Therefore, it has been classified as a Variant of Uncertain Significance.

NM_001048174.2(MUTYH):c.533A>G (p.Glu178Gly)

Gene: MUTYH (mutY DNA glycosylase; minus strand). Cytogenetic location: 1p34.1.
Variant type: single nucleotide variant.
Coding change: c.533A>G on transcript NM_001048174.2 (MANE Select); coding-DNA position 533, A replaced by G.
Protein change: p.Glu178Gly; replaces glutamic acid 178 with glycine.
Molecular consequence: missense variant. On other transcripts: non-coding transcript variant (2).
Genome position (GRCh38, 1-based): chr1:45,332,647, T>C on the plus strand (A>G on the coding strand, the complement: MUTYH is on the minus strand). VCF-style: chr1-45332647-T-C. GRCh37 (hg19) VCF-style: chr1-45798319-T-C.
Other names: c.533A>G, p.Glu178Gly (NM_001048171.2, NM_001048173.2, NM_001293195.2); c.536A>G, p.Glu179Gly (NM_001048172.2); c.617A>G, p.Glu206Gly (NM_001128425.2); c.578A>G, p.Glu193Gly (NM_001293190.2); c.566A>G, p.Glu189Gly (NM_001293191.2); c.257A>G, p.Glu86Gly (NM_001293192.2, NM_001293196.2); c.188A>G, p.Glu63Gly (NM_001350650.2, NM_001350651.2); c.608A>G, p.Glu203Gly (NM_012222.3); short protein forms E206G, E189G, E86G, E178G, E193G, E203G, E63G, E179G.
Identifiers: ClinVar variation 533304 (VCV000533304.13), dbSNP rs1553128548, ClinGen allele CA340135392.
Genomic context (GRCh38, chr1:45,332,647, plus strand): 5'-ATAGAGGCAATGGCCCCAGCTGTGTAGCGCCCCACGCCAGGCAGGAGCTGCTGCAGGGTC[T>C]CTGCTGTACGTGGCATGTGGCCCCCTAGCTCCTCTACCACCTGATTGGAGTGCAAGACTC-3'
Protein context (NP_001041639.1, residues 168-188): ELGGHMPRTA[Glu178Gly]TLQQLLPGVG